The following is an entry in ClinVar:

ClinVar aggregate classification (germline): Pathogenic. Review status: criteria provided, multiple submitters, no conflicts (2 of 4 stars). 5 submissions from 5 submitters: Pathogenic (3). 2 of the submissions do not count toward it. Last evaluated 2025-06-11.

Conditions:
Autosomal recessive osteopetrosis 1. Also called: TCIRG1-Related Autosomal Recessive Osteopetrosis; TCIRG1-Related Osteopetrosis; ALBERS-SCHONBERG DISEASE, AUTOSOMAL RECESSIVE. Identifiers: Orphanet 667, MedGen C1850127, MONDO:0009815, OMIM 259700.

Submissions (5):

Myriad Genetics, Inc.
Classification: Pathogenic for Autosomal recessive osteopetrosis 1. Last evaluated: 2025-06-11. Review status: criteria provided, single submitter. Criteria: Myriad Autosomal Dominant, Autosomal Recessive and X-Linked Classification Criteria (2023). Collection method: clinical testing. Allele origin: unknown.
Comment: NM_006019.3(TCIRG1):c.630+2T>C is a variant in a canonical splice site classified as pathogenic in the context of autosomal recessive osteopetrosis type 1. c.630+2T>C has been observed in cases with relevant disease (PMID: 11532986, 18715141). Relevant functional assessments of this variant are not available in the literature. c.630+2T>C has not been observed in referenced population frequency databases. In summary, NM_006019.3(TCIRG1):c.630+2T>C is a variant in a canonical splice site in a gene where loss of function is a known mechanism of disease, is predicted to disrupt protein function, and has been observed more frequently in cases with the relevant disease than in healthy populations. Please note: this variant was assessed in the context of healthy population screening.

Baylor Genetics
Classification: Pathogenic for Autosomal recessive osteopetrosis 1. Last evaluated: 2023-10-20. Review status: criteria provided, single submitter. Criteria: ACMG Guidelines, 2015. Collection method: clinical testing. Allele origin: unknown.

Labcorp Genetics (formerly Invitae), Labcorp
Classification: Pathogenic. Last evaluated: 2020-07-01. Review status: criteria provided, single submitter. Criteria: Invitae Variant Classification Sherloc (09022015). Collection method: clinical testing. Allele origin: germline.
Comment: This sequence change affects a donor splice site in intron 6 of the TCIRG1 gene. It is expected to disrupt RNA splicing and likely results in an absent or disrupted protein product. This variant is not present in population databases (ExAC no frequency). This variant has been observed in individuals affected with osteopetrosis (PMID: 11532986, 18715141). This variant is also known as T4525C in the literature. ClinVar contains an entry for this variant (Variation ID: 551426). Algorithms developed to predict the effect of sequence changes on RNA splicing suggest that this variant may disrupt the consensus splice site, but this prediction has not been confirmed by published transcriptional studies. Donor and acceptor splice site variants typically lead to a loss of protein function (PMID: 16199547), and loss-of-function variants in TCIRG1 are known to be pathogenic (PMID: 10888887, 10942435, 11532986, 19448635). For these reasons, this variant has been classified as Pathogenic.

Natera, Inc.
Classification: Pathogenic for Infantile malignant osteopetrosis. Last evaluated: 2020-01-20. Review status: no assertion criteria provided. Collection method: clinical testing. Allele origin: germline. Not counted in ClinVar's aggregate classification.

Counsyl
Classification: Pathogenic for Autosomal recessive osteopetrosis 1. Last evaluated: 2017-04-10. Review status: no assertion criteria provided. Collection method: clinical testing. Allele origin: unknown. Not counted in ClinVar's aggregate classification.

Literature cited by the submitters: PubMed 11532986 (cited by 3 submitters); PubMed 18715141 (cited by 3 submitters); PubMed 16199547 (cited by Labcorp Genetics (formerly Invitae), Labcorp); PubMed 10888887 (cited by Labcorp Genetics (formerly Invitae), Labcorp); PubMed 10942435 (cited by Labcorp Genetics (formerly Invitae), Labcorp); PubMed 19448635 (cited by Labcorp Genetics (formerly Invitae), Labcorp).

NM_006019.4(TCIRG1):c.630+2T>C

Gene: TCIRG1 (T cell immune regulator 1, ATPase H+ transporting V0 subunit a3; plus strand). Cytogenetic location: 11q13.2.
Variant type: single nucleotide variant.
Coding change: c.630+2T>C on transcript NM_006019.4 (MANE Select); the canonical splice donor site of the intron after coding-DNA position 630, T replaced by C.
Molecular consequence: splice donor variant.
Genome position (GRCh38, 1-based): chr11:68,043,499, T>C. VCF-style: chr11-68043499-T-C. GRCh37 (hg19) VCF-style: chr11-67810966-T-C.
Other names: c.-281+2T>C (NM_001351059.2); c.-19+2T>C (NM_006053.4).
Identifiers: ClinVar variation 551426 (VCV000551426.18), dbSNP rs1392364437, ClinGen allele CA381578331.